The following is an entry in ClinVar:

NM_000528.4(MAN2B1):c.2355+5C>G

Gene: MAN2B1 (mannosidase alpha class 2B member 1; minus strand). Cytogenetic location: 19p13.13.
Variant type: single nucleotide variant.
Coding change: c.2355+5C>G on transcript NM_000528.4 (MANE Select); 5 bases into the intron after coding-DNA position 2355, C replaced by G.
Molecular consequence: intron variant.
Genome position (GRCh38, 1-based): chr19:12,649,336, G>C on the plus strand (C>G on the coding strand, the complement: MAN2B1 is on the minus strand). VCF-style: chr19-12649336-G-C. GRCh37 (hg19) VCF-style: chr19-12760150-G-C.
Other names: c.2352+5C>G (NM_001173498.2).
Identifiers: ClinVar variation 513672 (VCV000513672.4), dbSNP rs770412137, ClinGen allele CA9226071.
Genomic context (GRCh38, chr19:12,649,336, plus strand): 5'-TGCTGCAGATAAGGGGTGATTCCCTTTCTATCGAGGTGGGGAGGTGCAGGATGGGGGAGA[G>C]CTACCGTGATGTAAATCCGGGTGTTGACTGGATAGTAGTTTCCTGCCACGGGCTCCGTCT-3'

ClinVar aggregate classification (germline): Conflicting classifications of pathogenicity. Review status: criteria provided, conflicting classifications (1 of 4 stars). 3 submissions from 3 submitters: Uncertain significance (1); Likely benign (1). 1 of the submissions does not count toward it. Last evaluated 2022-06-15.

Conditions:
MAN2B1-related disorder. Also called: MAN2B1-related condition.
Deficiency of alpha-mannosidase (MANSA). Also called: Alpha-Mannosidosis; LYSOSOMAL ALPHA-D-MANNOSIDASE DEFICIENCY; Mannosidosis, alpha-, types I and II. Identifiers: Orphanet 61, MedGen C0024748, MONDO:0009561, OMIM 248500.

Allele frequency attached by ClinVar (database versions not stated): ExAC 0.00008; gnomAD 0.00009; TOPMed 0.00009.
gnomAD v4.1: 85 of 1,611,930 alleles (0.0053%); highest among the groups gnomAD compares: Admixed American, 0.088%; no homozygotes.

Submissions (3):

Labcorp Genetics (formerly Invitae), Labcorp
Classification: Uncertain significance for Deficiency of alpha-mannosidase. Last evaluated: 2022-06-15. Review status: criteria provided, single submitter. Criteria: Invitae Variant Classification Sherloc (09022015). Collection method: clinical testing. Allele origin: germline.
Comment: This sequence change falls in intron 19 of the MAN2B1 gene. It does not directly change the encoded amino acid sequence of the MAN2B1 protein. It affects a nucleotide within the consensus splice site. This variant is present in population databases (rs770412137, gnomAD 0.09%). This variant has not been reported in the literature in individuals affected with MAN2B1-related conditions. ClinVar contains an entry for this variant (Variation ID: 513672). Variants that disrupt the consensus splice site are a relatively common cause of aberrant splicing (PMID: 17576681, 9536098). Algorithms developed to predict the effect of sequence changes on RNA splicing suggest that this variant is not likely to affect RNA splicing. In summary, the available evidence is currently insufficient to determine the role of this variant in disease. Therefore, it has been classified as a Variant of Uncertain Significance.

GeneDx
Classification: Likely benign. Last evaluated: 2017-12-01. Review status: criteria provided, single submitter. Criteria: GeneDx Variant Classification (06012015). Collection method: clinical testing. Allele origin: germline. Affected: yes.
Comment: This variant is considered likely benign or benign based on one or more of the following criteria: it is a conservative change, it occurs at a poorly conserved position in the protein, it is predicted to be benign by multiple in silico algorithms, and/or has population frequency not consistent with disease.

PreventionGenetics, part of Exact Sciences
Classification: Likely benign for MAN2B1-related condition. Last evaluated: 2023-12-06. Review status: no assertion criteria provided. Collection method: clinical testing. Allele origin: germline. Not counted in ClinVar's aggregate classification.
Comment: This variant is classified as likely benign based on ACMG/AMP sequence variant interpretation guidelines (Richards et al. 2015 PMID: 25741868, with internal and published modifications).

Literature cited by the submitters: PubMed 17576681 (cited by Labcorp Genetics (formerly Invitae), Labcorp); PubMed 9536098 (cited by Labcorp Genetics (formerly Invitae), Labcorp).